The following is an entry in ClinVar:

ClinVar aggregate classification (germline): Uncertain significance (1 of 4 stars; one submission).

Submission:

Labcorp Genetics (formerly Invitae), Labcorp
Classification: Uncertain significance. Last evaluated: 2024-10-29. Review status: criteria provided, single submitter. Criteria: Invitae Variant Classification Sherloc (09022015). Collection method: clinical testing. Allele origin: germline.
Comment: This sequence change affects codon 430 of the POLR3A mRNA. It is a 'silent' change, meaning that it does not change the encoded amino acid sequence of the POLR3A protein. It affects a nucleotide within the consensus splice site. This variant is not present in population databases (gnomAD no frequency). This variant has not been reported in the literature in individuals affected with POLR3A-related conditions. ClinVar contains an entry for this variant (Variation ID: 1939740). Algorithms developed to predict the effect of sequence changes on RNA splicing suggest that this variant is not likely to affect RNA splicing. In summary, the available evidence is currently insufficient to determine the role of this variant in disease. Therefore, it has been classified as a Variant of Uncertain Significance.

NM_007055.4(POLR3A):c.1290G>A (p.Arg430=)

Gene: POLR3A (RNA polymerase III subunit A; minus strand). Cytogenetic location: 10q22.3.
Variant type: single nucleotide variant.
Coding change: c.1290G>A on transcript NM_007055.4 (MANE Select); coding-DNA position 1290, G replaced by A.
Protein change: p.Arg430=; no amino-acid change (arginine 430 retained).
Molecular consequence: synonymous variant.
Genome position (GRCh38, 1-based): chr10:78,017,716, C>T on the plus strand (G>A on the coding strand, the complement: POLR3A is on the minus strand). VCF-style: chr10-78017716-C-T. GRCh37 (hg19) VCF-style: chr10-79777474-C-T.
Identifiers: ClinVar variation 1939740 (VCV001939740.4), dbSNP rs2493231222, ClinGen allele CA470401152.